The following is an entry in ClinVar:

ClinVar aggregate classification (germline): Pathogenic. Review status: criteria provided, multiple submitters, no conflicts (2 of 4 stars). 5 submissions from 5 submitters: Pathogenic (5). Last evaluated 2025-07-23.

Conditions:
Tay-Sachs disease (TSD). Also called: HEXA DEFICIENCY; HEXA Disorders; Hexosaminidase A Deficiency; GM2 gangliosidosis, type 1; Hexosaminidase alpha-subunit deficiency (variant B); Sphingolipidosis, Tay-Sachs. Identifiers: Orphanet 845, MedGen C0039373, MONDO:0010100, OMIM 272800.

Allele frequency attached by ClinVar (database versions not stated): TOPMed 0.00001.
gnomAD v4.1: 8 of 1,614,266 alleles (0.0005%); highest among the groups gnomAD compares: Admixed American, 0.005%; no homozygotes.

Submissions (5):

Natera, Inc.
Classification: Pathogenic for Tay-Sachs disease. Last evaluated: 2025-07-23. Review status: criteria provided, single submitter. Criteria: Natera Variant Classification Schema (03/2026). Collection method: clinical testing. Allele origin: germline.
Comment: The c.155C>A variant in HEXA is a nonsense variant predicted to introduce a stop codon at amino acid 52. This variant is expected to result in nonsense mediated decay, truncation, or a dysfunctional protein product. This variant is rare in the general population with a frequency below the threshold expected for the associated phenotype(s). This variant has been observed in one or more individuals affected with the associated recessive disease, as either homozygous or compound heterozygous with a second variant (PMID: 22441121). Given the available evidence, this variant is classified as Pathogenic.

Labcorp Genetics (formerly Invitae), Labcorp
Classification: Pathogenic for Tay-Sachs disease. Last evaluated: 2024-04-01. Review status: criteria provided, single submitter. Criteria: Invitae Variant Classification Sherloc (09022015). Collection method: clinical testing. Allele origin: germline.
Comment: This sequence change creates a premature translational stop signal (p.Ser52*) in the HEXA gene. It is expected to result in an absent or disrupted protein product. Loss-of-function variants in HEXA are known to be pathogenic (PMID: 1833974, 8490625). This variant is present in population databases (no rsID available, gnomAD 0.003%). This premature translational stop signal has been observed in individual(s) with Tay–Sachs disease (PMID: 22441121). ClinVar contains an entry for this variant (Variation ID: 379311). For these reasons, this variant has been classified as Pathogenic.

GeneDx
Classification: Pathogenic. Last evaluated: 2023-02-23. Review status: criteria provided, single submitter. Criteria: GeneDx Variant Classification Process June 2021. Collection method: clinical testing. Allele origin: germline. Affected: yes.
Comment: Nonsense variant predicted to result in protein truncation or nonsense mediated decay in a gene for which loss-of-function is a known mechanism of disease; Not observed in large population cohorts (gnomAD); This variant is associated with the following publications: (PMID: 24767253, 12180151, 22441121, 33961779, 22789865)

Revvity Omics, Revvity
Classification: Pathogenic for Tay-Sachs disease. Last evaluated: 2019-08-09. Review status: criteria provided, single submitter. Criteria: ACMG Guidelines, 2015. Collection method: clinical testing. Allele origin: germline.

Women's Health and Genetics/Laboratory Corporation of America, LabCorp
Classification: Pathogenic for Tay-Sachs disease. Last evaluated: 2018-07-09. Review status: criteria provided, single submitter. Criteria: LabCorp Variant Classification Summary - May 2015. Collection method: clinical testing. Allele origin: germline.
Comment: Variant summary: HEXA c.155C>A (p.Ser52X) results in a premature termination codon, predicted to cause a truncation of the encoded protein or absence of the protein due to nonsense mediated decay, which are commonly known mechanisms for disease. Truncations downstream of this position have been classified as pathogenic by our laboratory (eg. c.187G>T, p.Glu63X and c.1168C>T, p.Gln390X). The variant allele was found at a frequency of 1.2e-05 in 246232 control chromosomes. c.155C>A has been reported in the literature in individuals affected with Tay-Sachs Disease (Gort_2012, McGinniss_2002, Zampieri_2012). At least one patient tested in these studies had <10% enzyme activity reported in the publication. One clinical diagnostic laboratory has submitted clinical-significance assessments for this variant to ClinVar after 2014 without evidence for independent evaluation. One laboratory classified the variant as pathogenic. Based on the evidence outlined above, the variant was classified as pathogenic.

Literature cited by the submitters: PubMed 22441121 (cited by 3 submitters); PubMed 1833974 (cited by Labcorp Genetics (formerly Invitae), Labcorp); PubMed 8490625 (cited by Labcorp Genetics (formerly Invitae), Labcorp); PubMed 22789865 (cited by Women's Health and Genetics/Laboratory Corporation of America, LabCorp); PubMed 24767253 (cited by Women's Health and Genetics/Laboratory Corporation of America, LabCorp); PubMed 12180151 (cited by Women's Health and Genetics/Laboratory Corporation of America, LabCorp).

NM_000520.6(HEXA):c.155C>A (p.Ser52Ter)

Gene: HEXA (hexosaminidase subunit alpha; minus strand). Cytogenetic location: 15q23.
Variant type: single nucleotide variant.
Coding change: c.155C>A on transcript NM_000520.6 (MANE Select); coding-DNA position 155, C replaced by A.
Protein change: p.Ser52Ter; replaces serine 52 with a stop codon.
Molecular consequence: nonsense. On other transcripts: non-coding transcript variant (1).
Genome position (GRCh38, 1-based): chr15:72,375,818, G>T on the plus strand (C>A on the coding strand, the complement: HEXA is on the minus strand). VCF-style: chr15-72375818-G-T. GRCh37 (hg19) VCF-style: chr15-72668159-G-T.
Other names: c.155C>A, p.Ser52Ter (NM_001318825.2); c.155C>A (NM_000520.5); short protein forms S52*.
Identifiers: ClinVar variation 379311 (VCV000379311.22), dbSNP rs987036804, ClinGen allele CA16607860.
Genomic context (GRCh38, chr15:72,375,818, plus strand): 5'-AGCAGGTCACGATAGCGCTGGAAGGCCTCGTCGAGGACTGAGCAGCCGGGCTGCGCGGCC[G>T]AGCTGACATCGTACTGGAATTGAAAGTTGTTCGGGTAAAGGACGTAGCGCTGGTCGGAGG-3'